The following is an entry in ClinVar:

NM_001371928.1(AHDC1):c.3812C>T (p.Pro1271Leu)

Gene: AHDC1 (AT-hook DNA binding motif containing 1; minus strand). Cytogenetic location: 1p36.11.
Variant type: single nucleotide variant.
Coding change: c.3812C>T on transcript NM_001371928.1 (MANE Select); coding-DNA position 3812, C replaced by T.
Protein change: p.Pro1271Leu; replaces proline 1271 with leucine.
Molecular consequence: missense variant.
Genome position (GRCh38, 1-based): chr1:27,548,304, G>A on the plus strand (C>T on the coding strand, the complement: AHDC1 is on the minus strand). VCF-style: chr1-27548304-G-A. GRCh37 (hg19) VCF-style: chr1-27874815-G-A.
Other names: c.3812C>T, p.Pro1271Leu (NM_001029882.3); short protein forms P1271L.
Identifiers: ClinVar variation 3697573 (VCV003697573.2).

ClinVar aggregate classification (germline): Uncertain significance (1 of 4 stars; one submission).

gnomAD v4.1: 9 of 1,606,100 alleles (0.00056%); highest among the groups gnomAD compares: African/African-American, 0.0013%; no homozygotes.

Submission:

Labcorp Genetics (formerly Invitae), Labcorp
Classification: Uncertain significance. Last evaluated: 2024-09-18. Review status: criteria provided, single submitter. Criteria: Invitae Variant Classification Sherloc (09022015). Collection method: clinical testing. Allele origin: germline.
Comment: This sequence change replaces proline, which is neutral and non-polar, with leucine, which is neutral and non-polar, at codon 1271 of the AHDC1 protein (p.Pro1271Leu). This variant is not present in population databases (gnomAD no frequency). This variant has not been reported in the literature in individuals affected with AHDC1-related conditions. An algorithm developed to predict the effect of missense changes on protein structure and function (PolyPhen-2) suggests that this variant is likely to be disruptive. In summary, the available evidence is currently insufficient to determine the role of this variant in disease. Therefore, it has been classified as a Variant of Uncertain Significance.